The following is an entry in ClinVar:

ClinVar aggregate classification (germline): Uncertain significance. Review status: criteria provided, multiple submitters, no conflicts (2 of 4 stars). 2 submissions from 2 submitters: Uncertain significance (2). Last evaluated 2025-09-17.

Conditions:
Hereditary cancer-predisposing syndrome. Also called: Neoplastic Syndromes, Hereditary; Tumor predisposition; Hereditary Cancer Syndrome; Hereditary neoplastic syndrome. Identifiers: Orphanet 140162, MedGen C0027672, MeSH D009386, MONDO:0015356.

Allele frequency attached by ClinVar (database versions not stated): gnomAD 0.00001; 1000 Genomes Project 30x 0.00016; 1000 Genomes Project 0.00020.
gnomAD v4.1: 27 of 1,607,390 alleles (0.0017%); highest among the groups gnomAD compares: South Asian, 0.027%; no homozygotes.

Submissions (2):

Ambry Genetics
Classification: Uncertain significance for Hereditary cancer-predisposing syndrome. Last evaluated: 2025-09-17. Review status: criteria provided, single submitter. Criteria: Ambry Variant Classification Scheme 2023. Collection method: clinical testing. Allele origin: germline.
Comment: The p.T52K variant (also known as c.155C>A), located in coding exon 3 of the XRCC2 gene, results from a C to A substitution at nucleotide position 155. The threonine at codon 52 is replaced by lysine, an amino acid with similar properties. This amino acid position is well conserved in available vertebrate species. In addition, the in silico prediction for this alteration is inconclusive. Since supporting evidence is limited at this time, the clinical significance of this alteration remains unclear.

Genetic Services Laboratory, University of Chicago
Classification: Uncertain significance. Last evaluated: 2019-11-12. Review status: criteria provided, single submitter. Criteria: ACMG Guidelines, 2015. Collection method: clinical testing. Allele origin: germline. Affected: no.

NM_005431.2(XRCC2):c.155C>A (p.Thr52Lys)

Gene: XRCC2 (X-ray repair cross complementing 2; minus strand). Cytogenetic location: 7q36.1.
Variant type: single nucleotide variant.
Coding change: c.155C>A on transcript NM_005431.2 (MANE Select); coding-DNA position 155, C replaced by A.
Protein change: p.Thr52Lys; replaces threonine 52 with lysine.
Molecular consequence: missense variant.
Genome position (GRCh38, 1-based): chr7:152,649,330, G>T on the plus strand (C>A on the coding strand, the complement: XRCC2 is on the minus strand). VCF-style: chr7-152649330-G-T. GRCh37 (hg19) VCF-style: chr7-152346415-G-T.
Other names: short protein forms T52K.
Identifiers: ClinVar variation 1337438 (VCV001337438.8), dbSNP rs530663304, ClinGen allele CA4582378.
Genomic context (GRCh38, chr7:152,649,330, plus strand): 5'-CCTTCTGATTTGGGAAGTATACATCGTGCTGTTAGGTGATAAAGCATTTCTGTTTTTCCT[G>T]TTCCTTCTGGGCCATGAAATTCAAGAATATCACCTGTGTAAAATTTAAAAATCTCAGTCA-3'
Protein context (NP_005422.1, residues 42-62): DILEFHGPEG[Thr52Lys]GKTEMLYHLT